The following is an entry in ClinVar:

NM_000553.6(WRN):c.1982-3C>A

Gene: WRN (WRN RecQ like helicase; plus strand). Cytogenetic location: 8p12.
Variant type: single nucleotide variant.
Coding change: c.1982-3C>A on transcript NM_000553.6 (MANE Select); 3 bases into the intron before coding-DNA position 1982, C replaced by A.
Molecular consequence: intron variant.
Genome position (GRCh38, 1-based): chr8:31,100,846, C>A. VCF-style: chr8-31100846-C-A. GRCh37 (hg19) VCF-style: chr8-30958362-C-A.
Identifiers: ClinVar variation 574518 (VCV000574518.5), dbSNP rs1563351038, ClinGen allele CA891843346.
Genomic context (GRCh38, chr8:31,100,846, plus strand): 5'-GATGAGTTTATTTTTTCCTTTCGAGCTTTATCTTTTCCTTTATGTGTTTTTCTTTTTTTA[C>A]AGGTATCACGCTCATTGCTGTGGATGAGGCTCACTGTATTTCTGAGTGGGGGCATGATTT-3'

ClinVar aggregate classification (germline): Uncertain significance (1 of 4 stars; one submission).

Conditions:
Werner syndrome (WRN). Identifiers: Orphanet 902, MedGen C0043119, MONDO:0010196, OMIM 277700.

Submission:

Labcorp Genetics (formerly Invitae), Labcorp
Classification: Uncertain significance for Werner syndrome. Last evaluated: 2023-08-16. Review status: criteria provided, single submitter. Criteria: Invitae Variant Classification Sherloc (09022015). Collection method: clinical testing. Allele origin: germline.
Comment: ClinVar contains an entry for this variant (Variation ID: 574518). Variants that disrupt the consensus splice site are a relatively common cause of aberrant splicing (PMID: 17576681, 9536098). Algorithms developed to predict the effect of sequence changes on RNA splicing suggest that this variant may disrupt the consensus splice site. In summary, the available evidence is currently insufficient to determine the role of this variant in disease. Therefore, it has been classified as a Variant of Uncertain Significance. This variant has not been reported in the literature in individuals affected with WRN-related conditions. This sequence change falls in intron 17 of the WRN gene. It does not directly change the encoded amino acid sequence of the WRN protein. It affects a nucleotide within the consensus splice site. This variant is not present in population databases (gnomAD no frequency).

Literature cited by the submitters: PubMed 17576681; PubMed 9536098.